The following is an entry in ClinVar:

NM_024408.4(NOTCH2):c.4094G>A (p.Arg1365His)

Gene: NOTCH2 (notch receptor 2; minus strand). Cytogenetic location: 1p12.
Variant type: single nucleotide variant.
Coding change: c.4094G>A on transcript NM_024408.4 (MANE Select); coding-DNA position 4094, G replaced by A.
Protein change: p.Arg1365His; replaces arginine 1365 with histidine.
Molecular consequence: missense variant.
Genome position (GRCh38, 1-based): chr1:119,925,722, C>T on the plus strand (G>A on the coding strand, the complement: NOTCH2 is on the minus strand). VCF-style: chr1-119925722-C-T. GRCh37 (hg19) VCF-style: chr1-120468345-C-T.
Other names: c.4094G>A (NM_024408.3); short protein forms R1365H.
Identifiers: ClinVar variation 1941295 (VCV001941295.8), dbSNP rs951352077, ClinGen allele CA30319297.
Genomic context (GRCh38, chr1:119,925,722, plus strand): 5'-TGCTGGCAGGGGCTACTGGCACAGCCTGACTCGCAGTCCCGGGGACTGGGGCAGAAGCAG[C>T]GGGGTCCAGAGGCGGTGTGCACACACTGCTCCCCCTTCCTACATTTCACTTGTCCACAGC-3'
Protein context (NP_077719.2, residues 1355-1375): EQCVHTASGP[Arg1365His]CFCPSPRDCE

ClinVar aggregate classification (germline): Uncertain significance. Review status: criteria provided, multiple submitters, no conflicts (2 of 4 stars). 2 submissions from 2 submitters: Uncertain significance (2). Last evaluated 2025-11-19.

Conditions:
Hajdu-Cheney syndrome (HJCYS). Also called: ACROOSTEOLYSIS WITH OSTEOPOROSIS AND CHANGES IN SKULL AND MANDIBLE; SERPENTINE FIBULA-POLYCYSTIC KIDNEY SYNDROME; Acroosteolysis dominant type. Identifiers: Orphanet 955, MedGen C0917715, MONDO:0007057, OMIM 102500.

Allele frequency attached by ClinVar (database versions not stated): gnomAD exomes 0.00002.

Submissions (2):

Labcorp Genetics (formerly Invitae), Labcorp
Classification: Uncertain significance for Hajdu-Cheney syndrome. Last evaluated: 2025-11-19. Review status: criteria provided, single submitter. Criteria: Invitae Variant Classification Sherloc (09022015). Collection method: clinical testing. Allele origin: germline.
Comment: This sequence change replaces arginine, which is basic and polar, with histidine, which is basic and polar, at codon 1365 of the NOTCH2 protein (p.Arg1365His). This variant is present in population databases (no rsID available, gnomAD 0.003%). This variant has not been reported in the literature in individuals affected with NOTCH2-related conditions. ClinVar contains an entry for this variant (Variation ID: 1941295). Invitae Evidence Modeling of protein sequence and biophysical properties (such as structural, functional, and spatial information, amino acid conservation, physicochemical variation, residue mobility, and thermodynamic stability) indicates that this missense variant is not expected to disrupt NOTCH2 protein function with a negative predictive value of 80%. In summary, the available evidence is currently insufficient to determine the role of this variant in disease. Therefore, it has been classified as a Variant of Uncertain Significance.

Revvity Omics, Revvity
Classification: Uncertain significance. Last evaluated: 2021-01-07. Review status: criteria provided, single submitter. Criteria: ACMG Guidelines, 2015. Collection method: clinical testing. Allele origin: germline.